The following is an entry in ClinVar:

NM_153006.3(NAGS):c.1097-2A>G

Gene: NAGS (N-acetylglutamate synthase; plus strand). Cytogenetic location: 17q21.31.
Variant type: single nucleotide variant.
Coding change: c.1097-2A>G on transcript NM_153006.3 (MANE Select); the canonical splice acceptor site of the intron before coding-DNA position 1097, A replaced by G.
Molecular consequence: splice acceptor variant.
Genome position (GRCh38, 1-based): chr17:44,007,321, A>G. VCF-style: chr17-44007321-A-G. GRCh37 (hg19) VCF-style: chr17-42084689-A-G.
Identifiers: ClinVar variation 970970 (VCV000970970.17), dbSNP rs2049106256, ClinGen allele CA399726633.

ClinVar aggregate classification (germline): Pathogenic/Likely pathogenic. Review status: criteria provided, multiple submitters, no conflicts (2 of 4 stars). 2 submissions from 2 submitters: Pathogenic (1); Likely pathogenic (1). Last evaluated 2025-11-03.

Conditions:
Hyperammonemia, type III (NAGSD). Also called: Hyperammonemia due to N-acetylglutamate synthase deficiency. Identifiers: Orphanet 927, MedGen C0268543, MONDO:0009377, OMIM 237310.

Allele frequency attached by ClinVar (database versions not stated): gnomAD exomes below 0.00001.

Submissions (2):

Natera, Inc.
Classification: Likely pathogenic for Hyperammonemia type III. Last evaluated: 2025-11-03. Review status: criteria provided, single submitter. Criteria: Natera Variant Classification Schema (03/2026). Collection method: clinical testing. Allele origin: germline.
Comment: The c.1097-2A>G variant in NAGS is a canonical splice acceptor site variant predicted to affect pre-mRNA splicing, which may result in an abnormal transcript and altered protein product. This variant is expected to result in nonsense mediated decay, truncation, or a dysfunctional protein product. This variant is rare in the general population with a frequency below the threshold expected for the associated phenotype(s). Given the available evidence, this variant is classified as Likely Pathogenic.

Labcorp Genetics (formerly Invitae), Labcorp
Classification: Pathogenic for Hyperammonemia, type III. Last evaluated: 2023-06-02. Review status: criteria provided, single submitter. Criteria: Invitae Variant Classification Sherloc (09022015). Collection method: clinical testing. Allele origin: germline.
Comment: ClinVar contains an entry for this variant (Variation ID: 970970). For these reasons, this variant has been classified as Pathogenic. Algorithms developed to predict the effect of sequence changes on RNA splicing suggest that this variant may disrupt the consensus splice site. Disruption of this splice site has been observed in individual(s) with N-acetylglutamate synthase deficiency (PMID: 15714518, 27570737). In at least one individual the data is consistent with being in trans (on the opposite chromosome) from a pathogenic variant. It has also been observed to segregate with disease in related individuals. This variant is not present in population databases (gnomAD no frequency). This sequence change affects an acceptor splice site in intron 4 of the NAGS gene. It is expected to disrupt RNA splicing. Variants that disrupt the donor or acceptor splice site typically lead to a loss of protein function (PMID: 16199547), and loss-of-function variants in NAGS are known to be pathogenic (PMID: 12594532).

Literature cited by the submitters: PubMed 15714518 (cited by Labcorp Genetics (formerly Invitae), Labcorp); PubMed 27570737 (cited by Labcorp Genetics (formerly Invitae), Labcorp); PubMed 16199547 (cited by Labcorp Genetics (formerly Invitae), Labcorp); PubMed 12594532 (cited by Labcorp Genetics (formerly Invitae), Labcorp).